The following is an entry in ClinVar:

ClinVar aggregate classification (germline): Pathogenic (1 of 4 stars; one submission).

Conditions:
Melnick-Needles syndrome (MNS). Also called: MELNICK-NEEDLES OSTEODYSPLASTY; OSTEODYSPLASTY OF MELNICK AND NEEDLES; Melnick-Needles Syndrome (FLNA-MNS). Identifiers: Orphanet 2484, MedGen C0025237, MONDO:0010650, OMIM 309350.
Heterotopia, periventricular, X-linked dominant (PVNH1). Also called: PERIVENTRICULAR NODULAR HETEROTOPIA 1; X-linked periventricular heterotopia; PERIVENTRICULAR NODULAR HETEROTOPIA 4; HETEROTOPIA, PERIVENTRICULAR, 1. Identifiers: Orphanet 2149, Orphanet 82004, MedGen C1848213, MONDO:0010233, OMIM 300049.
Frontometaphyseal dysplasia (FMD1). Identifiers: Orphanet 1826, MedGen C0265293, MONDO:0015942.
Oto-palato-digital syndrome, type II (OPD2). Also called: FACIOPALATOOSSEOUS SYNDROME; OPD II SYNDROME; Otopalatodigital Syndrome Type 2 (FLNA-OPD2); Otopalatodigital Syndrome, Type II. Identifiers: Orphanet 669, Orphanet 90652, MedGen C1844696, MONDO:0010571, OMIM 304120.

Submission:

Labcorp Genetics (formerly Invitae), Labcorp
Classification: Pathogenic for Oto-palato-digital syndrome, type II; Heterotopia, periventricular, X-linked dominant; Frontometaphyseal dysplasia; Melnick-Needles syndrome. Last evaluated: 2022-03-10. Review status: criteria provided, single submitter. Criteria: Invitae Variant Classification Sherloc (09022015). Collection method: clinical testing. Allele origin: germline.
Comment: This sequence change creates a premature translational stop signal (p.Leu2393Argfs*52) in the FLNA gene. It is expected to result in an absent or disrupted protein product. Loss-of-function variants in FLNA are known to be pathogenic (PMID: 16684786, 20730588, 26471271). This variant is not present in population databases (gnomAD no frequency). This variant has not been reported in the literature in individuals affected with FLNA-related conditions. For these reasons, this variant has been classified as Pathogenic.

Literature cited by the submitters: PubMed 16684786; PubMed 20730588; PubMed 26471271.

NM_001110556.2(FLNA):c.7202del (p.Leu2401fs)

Gene: FLNA (filamin A; minus strand). Cytogenetic location: Xq28.
Variant type: Deletion.
Coding change: c.7202del on transcript NM_001110556.2 (MANE Select); coding-DNA position 7202, one base deleted (T; older notation c.7202delT).
Protein change: p.Leu2401fs; shifts the reading frame from leucine 2401.
Molecular consequence: frameshift variant.
Genome position (GRCh38, 1-based): chrX:154,350,162, A deleted on the plus strand (T on the coding strand, the reverse complement: FLNA is on the minus strand). VCF-style (leftmost placement, unchanged base first): chrX-154350161-CA-C. GRCh37 (hg19) VCF-style: chrX-153578529-CA-C.
Other names: c.7178del, p.Leu2393fs (NM_001456.4); short protein forms L2393fs, L2401fs.
Identifiers: ClinVar variation 2108251 (VCV002108251.4), dbSNP rs2522715055, ClinGen allele CA2580101882.
Genomic context (GRCh38, chrX:154,350,161, plus strand): 5'-CCCAACTCGGATCTTGAAGGGGCTTCCAGGGATGTGGGTGCCGTTGAACTTGACGTCAAT[CA>C]GGTAAACGCCATTCTCCCGAGGGATGAAGCGCACAGCATACTTATCTGAGGAGCAGGGAG-3'